The following is an entry in ClinVar:

ClinVar aggregate classification (germline): Uncertain significance. Review status: criteria provided, multiple submitters, no conflicts (2 of 4 stars). 2 submissions from 2 submitters: Uncertain significance (2). Last evaluated 2024-10-01.

Conditions:
Left ventricular noncompaction 1 (LVNC1). Also called: LEFT VENTRICULAR NONCOMPACTION 1 WITH OR WITHOUT CONGENITAL HEART DEFECTS. Identifiers: Orphanet 54260, MedGen C1858725, MONDO:0011403, OMIM 604169.

Allele frequency attached by ClinVar (database versions not stated): TOPMed below 0.00001; gnomAD exomes 0.00001 and 0.00002; ExAC 0.00003.
gnomAD v4.1: 17 of 1,614,046 alleles (0.0011%); highest among the groups gnomAD compares: Middle Eastern, 0.017%; no homozygotes.

Submissions (2):

Ambry Genetics
Classification: Uncertain significance. Last evaluated: 2024-10-01. Review status: criteria provided, single submitter. Criteria: Ambry Variant Classification Scheme 2023. Collection method: clinical testing. Allele origin: germline.

Labcorp Genetics (formerly Invitae), Labcorp
Classification: Uncertain significance for Left ventricular noncompaction 1. Last evaluated: 2024-07-03. Review status: criteria provided, single submitter. Criteria: Invitae Variant Classification Sherloc (09022015). Collection method: clinical testing. Allele origin: germline.
Comment: This sequence change replaces arginine, which is basic and polar, with glutamine, which is neutral and polar, at codon 63 of the DTNA protein (p.Arg63Gln). This variant is present in population databases (rs766420415, gnomAD 0.02%). This variant has not been reported in the literature in individuals affected with DTNA-related conditions. ClinVar contains an entry for this variant (Variation ID: 640747). Advanced modeling of protein sequence and biophysical properties (such as structural, functional, and spatial information, amino acid conservation, physicochemical variation, residue mobility, and thermodynamic stability) has been performed at Invitae for this missense variant, however the output from this modeling did not meet the statistical confidence thresholds required to predict the impact of this variant on DTNA protein function. In summary, the available evidence is currently insufficient to determine the role of this variant in disease. Therefore, it has been classified as a Variant of Uncertain Significance.

NM_001386795.1(DTNA):c.188G>A (p.Arg63Gln)

Gene: DTNA (dystrobrevin alpha; plus strand). Cytogenetic location: 18q12.1.
Variant type: single nucleotide variant.
Coding change: c.188G>A on transcript NM_001386795.1 (MANE Select); coding-DNA position 188, G replaced by A.
Protein change: p.Arg63Gln; replaces arginine 63 with glutamine.
Molecular consequence: missense variant.
Genome position (GRCh38, 1-based): chr18:34,794,076, G>A. VCF-style: chr18-34794076-G-A. GRCh37 (hg19) VCF-style: chr18-32374040-G-A.
Other names: c.188G>A, p.Arg63Gln (NM_001198938.2, NM_001198939.2, NM_001198940.2 and 35 more transcripts); short protein forms R63Q.
Identifiers: ClinVar variation 640747 (VCV000640747.9), dbSNP rs766420415, ClinGen allele CA8935314.